The following is an entry in ClinVar:

ClinVar aggregate classification (germline): Uncertain significance (1 of 4 stars; one submission).

gnomAD v4.1: 1 of 1,568,154 alleles (0.000064%); highest among the groups gnomAD compares: Non-Finnish European, 0.000086%; no homozygotes.

Submission:

GeneDx
Classification: Uncertain significance. Last evaluated: 2025-07-08. Review status: criteria provided, single submitter. Criteria: GeneDx Variant Classification Process June 2021. Collection method: clinical testing. Allele origin: germline. Affected: yes.
Comment: Not observed at significant frequency in large population cohorts (gnomAD); In silico analysis supports that this missense variant has a deleterious effect on protein structure/function; Has not been previously published as pathogenic or benign to our knowledge

NM_005883.3(APC2):c.3575C>A (p.Thr1192Asn)

Gene: APC2 (APC regulator of Wnt signaling pathway 2; plus strand). Cytogenetic location: 19p13.3.
Variant type: single nucleotide variant.
Coding change: c.3575C>A on transcript NM_005883.3 (MANE Select); coding-DNA position 3575, C replaced by A.
Protein change: p.Thr1192Asn; replaces threonine 1192 with asparagine.
Molecular consequence: missense variant.
Genome position (GRCh38, 1-based): chr19:1,466,876, C>A. VCF-style: chr19-1466876-C-A. GRCh37 (hg19) VCF-style: chr19-1466875-C-A.
Other names: c.3572C>A, p.Thr1191Asn (NM_001351273.1); short protein forms T1191N, T1192N.
Identifiers: ClinVar variation 4685390 (VCV004685390.1).